The following is an entry in ClinVar:

NM_000660.7(TGFB1):c.202G>A (p.Val68Met)

Genes: TGFB1 (transforming growth factor beta 1; minus strand), LOC130064510 (ATAC-STARR-seq lymphoblastoid silent region 10661; plus strand). Cytogenetic location: 19q13.2.
Variant type: single nucleotide variant.
Coding change: c.202G>A on transcript NM_000660.7 (MANE Select); coding-DNA position 202, G replaced by A.
Protein change: p.Val68Met; replaces valine 68 with methionine.
Molecular consequence: missense variant.
Genome position (GRCh38, 1-based): chr19:41,352,843, C>T on the plus strand (G>A on the coding strand, the complement: TGFB1 is on the minus strand). VCF-style: chr19-41352843-C-T. GRCh37 (hg19) VCF-style: chr19-41858748-C-T.
Other names: short protein forms V68M.
Identifiers: ClinVar variation 3657316 (VCV003657316.2).

ClinVar aggregate classification (germline): Uncertain significance (1 of 4 stars; one submission).

Submission:

Labcorp Genetics (formerly Invitae), Labcorp
Classification: Uncertain significance. Last evaluated: 2024-03-18. Review status: criteria provided, single submitter. Criteria: Invitae Variant Classification Sherloc (09022015). Collection method: clinical testing. Allele origin: germline.
Comment: This sequence change replaces valine, which is neutral and non-polar, with methionine, which is neutral and non-polar, at codon 68 of the TGFB1 protein (p.Val68Met). This variant is not present in population databases (gnomAD no frequency). This variant has not been reported in the literature in individuals affected with TGFB1-related conditions. An algorithm developed to predict the effect of missense changes on protein structure and function (PolyPhen-2) suggests that this variant is likely to be disruptive. In summary, the available evidence is currently insufficient to determine the role of this variant in disease. Therefore, it has been classified as a Variant of Uncertain Significance.